The following is an entry in ClinVar:

NM_001365480.1(CCDC88A):c.3772T>A (p.Leu1258Ile)

Gene: CCDC88A (coiled-coil and HOOK domain protein 88A; minus strand). Cytogenetic location: 2p16.1.
Variant type: single nucleotide variant.
Coding change: c.3772T>A on transcript NM_001365480.1 (MANE Select); coding-DNA position 3772, T replaced by A.
Protein change: p.Leu1258Ile; replaces leucine 1258 with isoleucine.
Molecular consequence: missense variant.
Genome position (GRCh38, 1-based): chr2:55,316,089, A>T on the plus strand (T>A on the coding strand, the complement: CCDC88A is on the minus strand). VCF-style: chr2-55316089-A-T. GRCh37 (hg19) VCF-style: chr2-55543225-A-T.
Other names: c.3769T>A, p.Leu1257Ile (NM_001135597.2, NM_001254943.2); c.3772T>A, p.Leu1258Ile (NM_018084.5); short protein forms L1257I, L1258I.
Identifiers: ClinVar variation 1468819 (VCV001468819.8), dbSNP rs530974239, ClinGen allele CA346889757.

ClinVar aggregate classification (germline): Uncertain significance (1 of 4 stars; one submission).

Submission:

Labcorp Genetics (formerly Invitae), Labcorp
Classification: Uncertain significance. Last evaluated: 2022-06-13. Review status: criteria provided, single submitter. Criteria: Invitae Variant Classification Sherloc (09022015). Collection method: clinical testing. Allele origin: germline.
Comment: This variant has not been reported in the literature in individuals affected with CCDC88A-related conditions. This sequence change replaces leucine, which is neutral and non-polar, with isoleucine, which is neutral and non-polar, at codon 1257 of the CCDC88A protein (p.Leu1257Ile). This variant is not present in population databases (gnomAD no frequency). Algorithms developed to predict the effect of missense changes on protein structure and function (SIFT, PolyPhen-2, Align-GVGD) all suggest that this variant is likely to be tolerated. In summary, the available evidence is currently insufficient to determine the role of this variant in disease. Therefore, it has been classified as a Variant of Uncertain Significance.